The following is an entry in ClinVar:

ClinVar aggregate classification (germline): Uncertain significance (1 of 4 stars; one submission).

Conditions:
Familial focal epilepsy with variable foci (FPEVF). Identifiers: Orphanet 98820, MedGen C1858477, MONDO:0020310.

Submission:

Labcorp Genetics (formerly Invitae), Labcorp
Classification: Uncertain significance for Familial focal epilepsy with variable foci. Last evaluated: 2025-03-17. Review status: criteria provided, single submitter. Criteria: Invitae Variant Classification Sherloc (09022015). Collection method: clinical testing. Allele origin: germline.
Comment: This sequence change replaces valine, which is neutral and non-polar, with methionine, which is neutral and non-polar, at codon 257 of the DEPDC5 protein (p.Val257Met). This variant is not present in population databases (gnomAD no frequency). This variant has not been reported in the literature in individuals affected with DEPDC5-related conditions. Experimental studies and prediction algorithms are not available or were not evaluated, and the functional significance of this variant is currently unknown. In summary, the available evidence is currently insufficient to determine the role of this variant in disease. Therefore, it has been classified as a Variant of Uncertain Significance.

NM_001242896.3(DEPDC5):c.769G>A (p.Val257Met)

Gene: DEPDC5 (DEP domain containing 5, GATOR1 subcomplex subunit; plus strand). Cytogenetic location: 22q12.2.
Variant type: single nucleotide variant.
Coding change: c.769G>A on transcript NM_001242896.3 (MANE Select); coding-DNA position 769, G replaced by A.
Protein change: p.Val257Met; replaces valine 257 with methionine.
Molecular consequence: missense variant. On other transcripts: non-coding transcript variant (5).
Genome position (GRCh38, 1-based): chr22:31,797,601, G>A. VCF-style: chr22-31797601-G-A. GRCh37 (hg19) VCF-style: chr22-32193587-G-A.
Other names: c.769G>A, p.Val257Met (NM_001007188.4, NM_001136029.4, NM_001242897.2 and 7 more transcripts); c.685G>A, p.Val229Met (NM_001369901.1, NM_001369902.1); short protein forms V229M, V257M.
Identifiers: ClinVar variation 3655149 (VCV003655149.2).
Genomic context (GRCh38, chr22:31,797,601, plus strand): 5'-ACACAGAGCCAAACCATATCAGCTGCTCAATATCCATTTTATGATAATACTCTTTTCAGA[G>A]TGGTGGTGCAGAATGAGAGAAGAGAAGAATGGACTTCACTTCTCGTAACCATTAAAAAAC-3'
Protein context (NP_001229825.1, residues 247-267): KGRFYEDFYK[Val257Met]VVQNERREEW